The following is an entry in ClinVar:

ClinVar aggregate classification (germline): Conflicting classifications of pathogenicity. Review status: criteria provided, conflicting classifications (1 of 4 stars). 3 submissions from 3 submitters: Uncertain significance (1); Likely benign (2). Last evaluated 2025-11-22.

Conditions:
CYP4V2-related disorder. Also called: CYP4V2-related condition; CYP4V2-related disorders.

Allele frequency attached by ClinVar (database versions not stated): gnomAD 0.00005; gnomAD exomes 0.00006 and 0.00011; ExAC 0.00008; TOPMed 0.00008; ESP Exome Variant Server 0.00031.
gnomAD v4.1: 165 of 1,612,110 alleles (0.01%); highest among the groups gnomAD compares: Middle Eastern, 0.02%; no homozygotes.

Submissions (3):

Labcorp Genetics (formerly Invitae), Labcorp
Classification: Likely benign. Last evaluated: 2025-11-22. Review status: criteria provided, single submitter. Criteria: Invitae Variant Classification Sherloc (09022015). Collection method: clinical testing. Allele origin: germline.

PreventionGenetics, part of Exact Sciences
Classification: Likely benign for CYP4V2-related condition. Last evaluated: 2025-04-14. Review status: criteria provided, single submitter. Criteria: ACMG Guidelines, 2015. Collection method: clinical testing. Allele origin: germline.
Comment: This variant is classified as likely benign based on ACMG/AMP sequence variant interpretation guidelines (Richards et al. 2015 PMID: 25741868, with internal and published modifications).

Blueprint Genetics
Classification: Uncertain significance. Last evaluated: 2023-12-13. Review status: criteria provided, single submitter. Criteria: ACMG Guidelines, 2015. Collection method: clinical testing. Allele origin: germline.

NM_207352.4(CYP4V2):c.414-7T>C

Gene: CYP4V2 (cytochrome P450 family 4 subfamily V member 2; plus strand). Cytogenetic location: 4q35.1.
Variant type: single nucleotide variant.
Coding change: c.414-7T>C on transcript NM_207352.4 (MANE Select); 7 bases into the intron before coding-DNA position 414, T replaced by C.
Molecular consequence: intron variant.
Genome position (GRCh38, 1-based): chr4:186,196,933, T>C. VCF-style: chr4-186196933-T-C. GRCh37 (hg19) VCF-style: chr4-187118087-T-C.
Other names: c.414-7T>C (NM_207352.3).
Identifiers: ClinVar variation 1143269 (VCV001143269.11), dbSNP rs376204847, ClinGen allele CA3162553.